The following is an entry in ClinVar:

NM_014270.5(SLC7A9):c.49C>T (p.Gln17Ter)

Gene: SLC7A9 (solute carrier family 7 member 9; minus strand). Cytogenetic location: 19q13.11.
Variant type: single nucleotide variant.
Coding change: c.49C>T on transcript NM_014270.5 (MANE Select); coding-DNA position 49, C replaced by T.
Protein change: p.Gln17Ter; replaces glutamine 17 with a stop codon.
Molecular consequence: nonsense.
Genome position (GRCh38, 1-based): chr19:32,868,486, G>A on the plus strand (C>T on the coding strand, the complement: SLC7A9 is on the minus strand). VCF-style: chr19-32868486-G-A. GRCh37 (hg19) VCF-style: chr19-33359392-G-A.
Other names: c.49C>T (NM_014270.4); c.49C>T, p.Gln17Ter (NM_001126335.2, NM_001243036.2); short protein forms Q17*.
Identifiers: ClinVar variation 1076784 (VCV001076784.8), dbSNP rs1394513127, ClinGen allele CA405205564.

ClinVar aggregate classification (germline): Pathogenic/Likely pathogenic. Review status: criteria provided, multiple submitters, no conflicts (2 of 4 stars). 2 submissions from 2 submitters: Pathogenic (1); Likely pathogenic (1). Last evaluated 2026-09-21.

Conditions:
SLC7A9-related disorder. Also called: SLC7A9-related condition.

Allele frequency attached by ClinVar (database versions not stated): TOPMed 0.00001.
gnomAD v4.1: 28 of 1,613,926 alleles (0.0017%); highest among the groups gnomAD compares: Non-Finnish European, 0.0023%; no homozygotes.

Submissions (2):

PreventionGenetics, part of Exact Sciences
Classification: Likely pathogenic for SLC7A9-related condition. Last evaluated: 2026-09-21. Review status: criteria provided, single submitter. Criteria: ACMG Guidelines, 2015. Collection method: clinical testing. Allele origin: germline.
Comment: The SLC7A9 c.49C>T variant is predicted to result in premature protein termination (p.Gln17*). To our knowledge, this variant has not been reported in the literature. This variant is reported in 0.0035% of alleles in individuals of European (Non-Finnish) descent in gnomAD. Nonsense variants in SLC7A9 are expected to be pathogenic. This variant is interpreted as likely pathogenic.

Labcorp Genetics (formerly Invitae), Labcorp
Classification: Pathogenic. Last evaluated: 2024-02-24. Review status: criteria provided, single submitter. Criteria: Invitae Variant Classification Sherloc (09022015). Collection method: clinical testing. Allele origin: germline.
Comment: This sequence change creates a premature translational stop signal (p.Gln17*) in the SLC7A9 gene. It is expected to result in an absent or disrupted protein product. Loss-of-function variants in SLC7A9 are known to be pathogenic (PMID: 11157794, 16838140, 25296721). This variant is present in population databases (no rsID available, gnomAD 0.004%). This variant has not been reported in the literature in individuals affected with SLC7A9-related conditions. ClinVar contains an entry for this variant (Variation ID: 1076784). For these reasons, this variant has been classified as Pathogenic.

Literature cited by the submitters: PubMed 11157794 (cited by Labcorp Genetics (formerly Invitae), Labcorp); PubMed 16838140 (cited by Labcorp Genetics (formerly Invitae), Labcorp); PubMed 25296721 (cited by Labcorp Genetics (formerly Invitae), Labcorp).